The following is an entry in ClinVar:

ClinVar aggregate classification (germline): Likely benign (0 of 4 stars; one submission).

Conditions:
CREBBP-related disorder. Also called: CREBBP-related condition; CREBBP-related disorders.

Submission:

PreventionGenetics, part of Exact Sciences
Classification: Likely benign for CREBBP-related condition. Last evaluated: 2022-05-10. Review status: no assertion criteria provided. Collection method: clinical testing. Allele origin: germline.
Comment: This variant is classified as likely benign based on ACMG/AMP sequence variant interpretation guidelines (Richards et al. 2015 PMID: 25741868, with internal and published modifications).

NM_004380.3(CREBBP):c.1770A>G (p.Lys590=)

Gene: CREBBP (CREB binding lysine acetyltransferase; minus strand). Cytogenetic location: 16p13.3.
Variant type: single nucleotide variant.
Coding change: c.1770A>G on transcript NM_004380.3 (MANE Select); coding-DNA position 1770, A replaced by G.
Protein change: p.Lys590=; no amino-acid change (lysine 590 retained).
Molecular consequence: synonymous variant.
Genome position (GRCh38, 1-based): chr16:3,780,785, T>C on the plus strand (A>G on the coding strand, the complement: CREBBP is on the minus strand). VCF-style: chr16-3780785-T-C. GRCh37 (hg19) VCF-style: chr16-3830786-T-C.
Other names: c.1656A>G, p.Lys552= (NM_001079846.1).
Identifiers: ClinVar variation 3353846 (VCV003353846.1).
Genomic context (GRCh38, chr16:3,780,785, plus strand): 5'-TACGTACAGTTTATGCACTAGATGGCTCCGCAGGTCCTGAGTGACATGTTCGTGCCAGCC[T>C]TTCCTTACACCGGTGCTAGAAGGAGGAGCTGCTGTTGGTATAGTGCTGAGGGTTCCAATG-3'
Protein context (NP_004371.2, residues 580-600): AAPPSSTGVR[Lys590=]GWHEHVTQDL